The following is an entry in ClinVar:

ClinVar aggregate classification (germline): Benign. Review status: criteria provided, multiple submitters, no conflicts (2 of 4 stars). 2 submissions from 2 submitters: Benign (2). Last evaluated 2024-02-01.

Allele frequency attached by ClinVar (database versions not stated): gnomAD exomes 0.00102 and 0.00216; ESP Exome Variant Server 0.00123; gnomAD 0.00145 and 0.00152; TOPMed 0.00153; ExAC 0.00161.

Submissions (2):

CeGaT Center for Human Genetics Tuebingen
Classification: Benign. Last evaluated: 2024-02-01. Review status: criteria provided, single submitter. Criteria: CeGaT Center For Human Genetics Tuebingen Variant Classification Criteria Version 2. Collection method: clinical testing. Allele origin: germline. Affected: yes. Observed: 2 variant alleles.
Comment: SLC10A1: BP4, BS1, BS2

Eurofins Ntd Llc (ga)
Classification: Benign. Last evaluated: 2017-08-15. Review status: criteria provided, single submitter. Criteria: EGL Classification Definitions 2015. Collection method: clinical testing. Allele origin: germline. Observed: 1 variant allele, 1 heterozygote.

NM_003049.4(SLC10A1):c.453G>A (p.Lys151=)

Gene: SLC10A1 (solute carrier family 10 member 1; minus strand). Cytogenetic location: 14q24.1.
Variant type: single nucleotide variant.
Coding change: c.453G>A on transcript NM_003049.4 (MANE Select); coding-DNA position 453, G replaced by A.
Protein change: p.Lys151=; no amino-acid change (lysine 151 retained).
Molecular consequence: synonymous variant.
Genome position (GRCh38, 1-based): chr14:69,786,211, C>T on the plus strand (G>A on the coding strand, the complement: SLC10A1 is on the minus strand). VCF-style: chr14-69786211-C-T. GRCh37 (hg19) VCF-style: chr14-70252928-C-T.
Identifiers: ClinVar variation 593674 (VCV000593674.28), dbSNP rs61329727, ClinGen allele CA7246162.